The following is an entry in ClinVar:

NM_014679.5(CEP57):c.556C>T (p.Leu186Phe)

Gene: CEP57 (centrosomal protein 57; plus strand). Cytogenetic location: 11q21.
Variant type: single nucleotide variant.
Coding change: c.556C>T on transcript NM_014679.5 (MANE Select); coding-DNA position 556, C replaced by T.
Protein change: p.Leu186Phe; replaces leucine 186 with phenylalanine.
Molecular consequence: missense variant.
Genome position (GRCh38, 1-based): chr11:95,817,838, C>T. VCF-style: chr11-95817838-C-T. GRCh37 (hg19) VCF-style: chr11-95551002-C-T.
Other names: c.529C>T, p.Leu177Phe (NM_001243776.2); c.556C>T, p.Leu186Phe (NM_001243777.2); c.475C>T, p.Leu159Phe (NM_001363604.2); short protein forms L159F, L186F, L177F.
Identifiers: ClinVar variation 3831955 (VCV003831955.1).

ClinVar aggregate classification (germline): Uncertain significance (1 of 4 stars; one submission).

Conditions:
Inborn genetic diseases. Identifiers: MedGen C0950123, MeSH D030342.

Submission:

Ambry Genetics
Classification: Uncertain significance for Inborn genetic diseases. Last evaluated: 2025-01-05. Review status: criteria provided, single submitter. Criteria: Ambry Variant Classification Scheme 2023. Collection method: clinical testing. Allele origin: germline.
Comment: The p.L186F variant (also known as c.556C>T), located in coding exon 5 of the CEP57 gene, results from a C to T substitution at nucleotide position 556. The leucine at codon 186 is replaced by phenylalanine, an amino acid with highly similar properties. This amino acid position is conserved. In addition, the in silico prediction for this alteration is inconclusive. Based on the available evidence, the clinical significance of this variant remains unclear.